The following is an entry in ClinVar:

ClinVar aggregate classification (germline): Uncertain significance (1 of 4 stars; one submission).

Conditions:
TTN-related disorder. Also called: TTN-related disorders; TTN-related condition; TTN-related disease.

gnomAD v4.1: 8 of 1,613,684 alleles (0.0005%); highest among the groups gnomAD compares: African/African-American, 0.011%; no homozygotes.

Submission:

PreventionGenetics, part of Exact Sciences
Classification: Uncertain significance for TTN-related condition. Last evaluated: 2025-08-11. Review status: criteria provided, single submitter. Criteria: ACMG Guidelines, 2015. Collection method: clinical testing. Allele origin: germline.
Comment: The TTN c.27244G>C variant is predicted to result in the amino acid substitution p.Asp9082His. To our knowledge, this variant has not been reported in the literature. This variant is reported in 0.019% of alleles in individuals of African descent in gnomAD. At this time, the clinical significance of this variant is uncertain due to the absence of conclusive functional and genetic evidence.

NM_001267550.2(TTN):c.27244G>C (p.Asp9082His)

Gene: TTN (titin; minus strand). Cytogenetic location: 2q31.2.
Variant type: single nucleotide variant.
Coding change: c.27244G>C on transcript NM_001267550.2 (MANE Select); coding-DNA position 27244, G replaced by C.
Protein change: p.Asp9082His; replaces aspartic acid 9082 with histidine.
Molecular consequence: missense variant. On other transcripts: intron variant (3).
Genome position (GRCh38, 1-based): chr2:178,712,781, C>G on the plus strand (G>C on the coding strand, the complement: TTN is on the minus strand). VCF-style: chr2-178712781-C-G. GRCh37 (hg19) VCF-style: chr2-179577508-C-G.
Other names: c.26293G>C, p.Asp8765His (NM_001256850.1); c.23512G>C, p.Asp7838His (NM_133378.4); c.13282+25301G>C (NM_003319.4); c.13858+25301G>C (NM_133437.4); c.13657+25301G>C (NM_133432.3); short protein forms D7838H, D9082H, D8765H.
Identifiers: ClinVar variation 4988932 (VCV004988932.1).